The following is an entry in ClinVar:

NM_000718.4(CACNA1B):c.6127C>T (p.Pro2043Ser)

Gene: CACNA1B (calcium voltage-gated channel subunit alpha1 B; plus strand). Cytogenetic location: 9q34.3.
Variant type: single nucleotide variant.
Coding change: c.6127C>T on transcript NM_000718.4 (MANE Select); coding-DNA position 6127, C replaced by T.
Protein change: p.Pro2043Ser; replaces proline 2043 with serine.
Molecular consequence: missense variant.
Genome position (GRCh38, 1-based): chr9:138,120,261, C>T. VCF-style: chr9-138120261-C-T. GRCh37 (hg19) VCF-style: chr9-141014713-C-T.
Other names: c.6127C>T, p.Pro2043Ser (NM_001243812.2); short protein forms P2043S.
Identifiers: ClinVar variation 2108007 (VCV002108007.4), dbSNP rs200036618, ClinGen allele CA201872868.
Genomic context (GRCh38, chr9:138,120,261, plus strand): 5'-TCCACGCTGGCCCAGCGGCCCCGTGGGACTCATCTTTGCAGCACCACCCCGGACCGCCCA[C>T]CCCCTAGCCAGGCGTCGTCGCACCACCACCACCACCGCTGCCACCGCCGCAGGGACAGGA-3'
Protein context (NP_000709.1, residues 2033-2053): HLCSTTPDRP[Pro2043Ser]PSQASSHHHH

ClinVar aggregate classification (germline): Uncertain significance (1 of 4 stars; one submission).

gnomAD v4.1: 1 of 1,599,774 alleles (0.000063%); no homozygotes.

Submission:

Labcorp Genetics (formerly Invitae), Labcorp
Classification: Uncertain significance. Last evaluated: 2022-08-08. Review status: criteria provided, single submitter. Criteria: Invitae Variant Classification Sherloc (09022015). Collection method: clinical testing. Allele origin: germline.
Comment: This sequence change replaces proline, which is neutral and non-polar, with serine, which is neutral and polar, at codon 2043 of the CACNA1B protein (p.Pro2043Ser). In summary, the available evidence is currently insufficient to determine the role of this variant in disease. Therefore, it has been classified as a Variant of Uncertain Significance. Advanced modeling of protein sequence and biophysical properties (such as structural, functional, and spatial information, amino acid conservation, physicochemical variation, residue mobility, and thermodynamic stability) performed at Invitae indicates that this missense variant is not expected to disrupt CACNA1B protein function. This variant has not been reported in the literature in individuals affected with CACNA1B-related conditions. This variant is not present in population databases (gnomAD no frequency).